The following is an entry in ClinVar:

NM_002439.5(MSH3):c.1295T>C (p.Leu432Ser)

Gene: MSH3 (mutS homolog 3; plus strand). Cytogenetic location: 5q14.1.
Variant type: single nucleotide variant.
Coding change: c.1295T>C on transcript NM_002439.5 (MANE Select); coding-DNA position 1295, T replaced by C.
Protein change: p.Leu432Ser; replaces leucine 432 with serine.
Molecular consequence: missense variant.
Genome position (GRCh38, 1-based): chr5:80,679,048, T>C. VCF-style: chr5-80679048-T-C. GRCh37 (hg19) VCF-style: chr5-79974867-T-C.
Other names: short protein forms L432S.
Identifiers: ClinVar variation 2697230 (VCV002697230.3), dbSNP rs770687133, ClinGen allele CA360269061.

ClinVar aggregate classification (germline): Uncertain significance (1 of 4 stars; one submission).

Submission:

Labcorp Genetics (formerly Invitae), Labcorp
Classification: Uncertain significance. Last evaluated: 2023-11-19. Review status: criteria provided, single submitter. Criteria: Invitae Variant Classification Sherloc (09022015). Collection method: clinical testing. Allele origin: germline.
Comment: This sequence change replaces leucine, which is neutral and non-polar, with serine, which is neutral and polar, at codon 432 of the MSH3 protein (p.Leu432Ser). This variant is not present in population databases (gnomAD no frequency). This variant has not been reported in the literature in individuals affected with MSH3-related conditions. An algorithm developed to predict the effect of missense changes on protein structure and function (PolyPhen-2) suggests that this variant is likely to be disruptive. In summary, the available evidence is currently insufficient to determine the role of this variant in disease. Therefore, it has been classified as a Variant of Uncertain Significance.